The following is an entry in ClinVar:

NM_177550.5(SLC13A5):c.1139G>T (p.Arg380Leu)

Gene: SLC13A5 (solute carrier family 13 member 5; minus strand). Cytogenetic location: 17p13.1.
Variant type: single nucleotide variant.
Coding change: c.1139G>T on transcript NM_177550.5 (MANE Select); coding-DNA position 1139, G replaced by T.
Protein change: p.Arg380Leu; replaces arginine 380 with leucine.
Molecular consequence: missense variant.
Genome position (GRCh38, 1-based): chr17:6,694,114, C>A on the plus strand (G>T on the coding strand, the complement: SLC13A5 is on the minus strand). VCF-style: chr17-6694114-C-A. GRCh37 (hg19) VCF-style: chr17-6597433-C-A.
Other names: c.1139G>T, p.Arg380Leu (NM_001143838.3); c.1088G>T, p.Arg363Leu (NM_001284509.2); c.1010G>T, p.Arg337Leu (NM_001284510.2); short protein forms R337L, R380L, R363L.
Identifiers: ClinVar variation 1485871 (VCV001485871.6), dbSNP rs747458897, ClinGen allele CA397742446.

ClinVar aggregate classification (germline): Uncertain significance (1 of 4 stars; one submission).

Conditions:
Developmental and epileptic encephalopathy, 25 (DEE25). Also called: Epileptic encephalopathy, early infantile, 25; Developmental and epileptic encephalopathy 25, with amelogenesis imperfecta; Epileptic encephalopathy, early infantile, 25, with amelogenesis imperfecta. Identifiers: Orphanet 442835, MedGen C4014621, MONDO:0014392, OMIM 615905.

Submission:

Labcorp Genetics (formerly Invitae), Labcorp
Classification: Uncertain significance for Developmental and epileptic encephalopathy, 25. Last evaluated: 2021-11-01. Review status: criteria provided, single submitter. Criteria: Invitae Variant Classification Sherloc (09022015). Collection method: clinical testing. Allele origin: germline.
Comment: This variant is not present in population databases (gnomAD no frequency). This sequence change replaces arginine, which is basic and polar, with leucine, which is neutral and non-polar, at codon 380 of the SLC13A5 protein (p.Arg380Leu). This variant has not been reported in the literature in individuals affected with SLC13A5-related conditions. Algorithms developed to predict the effect of missense changes on protein structure and function (SIFT, PolyPhen-2, Align-GVGD) all suggest that this variant is likely to be tolerated. In summary, the available evidence is currently insufficient to determine the role of this variant in disease. Therefore, it has been classified as a Variant of Uncertain Significance.